The following is an entry in ClinVar:

ClinVar aggregate classification (germline): Uncertain significance (1 of 4 stars; one submission).

gnomAD v4.1: 5 of 1,614,164 alleles (0.00031%); highest among the groups gnomAD compares: South Asian, 0.0011%; no homozygotes.

Submission:

GeneDx
Classification: Uncertain significance. Last evaluated: 2026-02-04. Review status: criteria provided, single submitter. Criteria: GeneDx Variant Classification Process June 2021. Collection method: clinical testing. Allele origin: germline.
Comment: Not observed at significant frequency in large population cohorts (gnomAD); In silico analysis suggests that this missense variant does not alter protein structure/function; Has not been previously published as pathogenic or benign to our knowledge

NM_006766.5(KAT6A):c.1189A>G (p.Asn397Asp)

Gene: KAT6A (lysine acetyltransferase 6A; minus strand). Cytogenetic location: 8p11.21.
Variant type: single nucleotide variant.
Coding change: c.1189A>G on transcript NM_006766.5 (MANE Select); coding-DNA position 1189, A replaced by G.
Protein change: p.Asn397Asp; replaces asparagine 397 with aspartic acid.
Molecular consequence: missense variant.
Genome position (GRCh38, 1-based): chr8:41,977,182, T>C on the plus strand (A>G on the coding strand, the complement: KAT6A is on the minus strand). VCF-style: chr8-41977182-T-C. GRCh37 (hg19) VCF-style: chr8-41834700-T-C.
Other names: c.1189A>G, p.Asn397Asp (NM_001305878.2); short protein forms N397D.
Identifiers: ClinVar variation 4976139 (VCV004976139.1).